The following is an entry in ClinVar:

NM_000038.6(APC):c.1163ACA[1] (p.Asn389del)

Gene: APC (APC regulator of Wnt signaling pathway; plus strand). Cytogenetic location: 5q22.2.
Variant type: Microsatellite.
Coding change: c.1163ACA[1] on transcript NM_000038.6 (MANE Select); one copy of the 3-base unit ACA starting at c.1163; the reference has two copies in a row; one copy, 3 bases deleted.
Protein change: p.Asn389del; deletes asparagine 389.
Molecular consequence: inframe deletion. On other transcripts: intron variant (4).
Genome position (GRCh38, 1-based): chr5:112,819,198-112,819,200, ACA deleted; deleting any 3 consecutive bases within chr5:112,819,195-112,819,200 gives the same sequence; the position shown is the placement nearest the transcript's 3' end. VCF-style (leftmost placement, unchanged base first): chr5-112819194-CACA-C. GRCh37 (hg19) VCF-style: chr5-112154891-CACA-C.
Other names: c.1163ACA[1], p.Asn389del (NM_001127510.3, NM_001354895.2, NM_001354896.2); c.1109ACA[1], p.Asn371del (NM_001127511.3); c.1193ACA[1], p.Asn399del (NM_001354897.2); c.1088ACA[1], p.Asn364del (NM_001354898.2); c.1079ACA[1], p.Asn361del (NM_001354899.2); c.986ACA[1], p.Asn330del (NM_001354900.2, NM_001354901.2); c.314ACA[1], p.Asn106del (NM_001354906.2); c.964-71_964-69del (NM_001354902.2); and 3 more; short protein forms N371del, N389del, N106del, N399del, N361del, N330del, N364del.
Identifiers: ClinVar variation 229830 (VCV000229830.6), dbSNP rs876658225, ClinGen allele CA10578306.

ClinVar aggregate classification (germline): Uncertain significance. Review status: criteria provided, multiple submitters, no conflicts (2 of 4 stars). 2 submissions from 2 submitters: Uncertain significance (2). Last evaluated 2023-06-26.

Conditions:
Classic or attenuated familial adenomatous polyposis. Identifiers: MedGen CN372698, MONDO:0021057.
Hereditary cancer-predisposing syndrome. Also called: Hereditary neoplastic syndrome; Hereditary Cancer Syndrome; Neoplastic Syndromes, Hereditary; Tumor predisposition. Identifiers: Orphanet 140162, MedGen C0027672, MeSH D009386, MONDO:0015356.

Submissions (2):

All of Us Research Program, National Institutes of Health
Classification: Uncertain significance for Classic or attenuated familial adenomatous polyposis. Last evaluated: 2023-06-26. Review status: criteria provided, single submitter. Criteria: ACMG Guidelines, 2015. Collection method: clinical testing. Allele origin: germline. Inheritance: Autosomal dominant inheritance. Observed: 1 variant allele, 1 heterozygote.
Comment: This variant causes an in-frame deletion of one amino acid of the APC protein. To our knowledge, functional studies have not been reported for this variant. This variant has not been reported in individuals affected with APC-related disorders in the literature. This variant has not been identified in the general population by the Genome Aggregation Database (gnomAD). The available evidence is insufficient to determine the role of this variant in disease conclusively. Therefore, this variant is classified as a Variant of Uncertain Significance.

This study involves interpretation of variants in research participants for the purpose of population health screening. Participant phenotype was not available at the time of variant classification. Additional details can be found in publication PMID: 35346344, PMCID: PMC8962531

Ambry Genetics
Classification: Uncertain significance for Hereditary cancer-predisposing syndrome. Last evaluated: 2015-01-02. Review status: criteria provided, single submitter. Criteria: Ambry Variant Classification Scheme 2023. Collection method: clinical testing. Allele origin: germline.
Comment: The c.1166_1168delACA variant (also known as p.N389del) is located in coding exon 9 of the APC gene. This variant results from an in-frame deletion of 3 nucleotides at positions 1166 through 1168 and removes a highly-conserved asparagine residue at codon 389. This variant was not reported in population based cohorts in the following databases: Database of Single Nucleotide Polymorphisms (dbSNP), NHLBI Exome Sequencing Project (ESP), and 1000 Genomes Project. In the ESP, this variant was not observed in 6502 samples (13004 alleles) with coverage at this position. To date, this alteration has been detected with an allele frequency of approximately 0.005% (greater than 21000 alleles tested) in our clinical cohort. Since supporting evidence is limited at this time, the clinical significance of c.1166_1168delACA remains unclear.